The following is an entry in ClinVar:

NM_177438.3(DICER1):c.284G>A (p.Arg95Lys)

Gene: DICER1 (dicer 1, ribonuclease III; minus strand). Cytogenetic location: 14q32.13.
Variant type: single nucleotide variant.
Coding change: c.284G>A on transcript NM_177438.3 (MANE Select); coding-DNA position 284, G replaced by A.
Protein change: p.Arg95Lys; replaces arginine 95 with lysine.
Molecular consequence: missense variant.
Genome position (GRCh38, 1-based): chr14:95,132,538, C>T on the plus strand (G>A on the coding strand, the complement: DICER1 is on the minus strand). VCF-style: chr14-95132538-C-T. GRCh37 (hg19) VCF-style: chr14-95598875-C-T.
Other names: c.284G>A, p.Arg95Lys (NM_001195573.1, NM_001271282.3, NM_001291628.2 and 1 more transcripts); short protein forms R95K.
Identifiers: ClinVar variation 821886 (VCV000821886.15), dbSNP rs1595465892, ClinGen allele CA390889680.
Genomic context (GRCh38, chr14:95,132,538, plus strand): 5'-TTCCCCTGCACAACTTGATAAAATAATTTTTTATTACCAGAGTTGACCAAGAACACCGTC[C>T]TTTTTCCATTTCTGCTGAAGTCTCCCCTGATCTGATAGGACAGCTCTTTAGTGAGTAGTA-3'
Protein context (NP_803187.1, residues 85-105): IRGDFSRNGK[Arg95Lys]TVFLVNSANQ

ClinVar aggregate classification (germline): Uncertain significance. Review status: criteria provided, multiple submitters, no conflicts (2 of 4 stars). 2 submissions from 2 submitters: Uncertain significance (2). Last evaluated 2024-04-01.

Conditions:
DICER1-related tumor predisposition. Also called: DICER1-related pleuropulmonary blastoma cancer predisposition syndrome; DICER1 syndrome. Identifiers: Orphanet 284343, MedGen C3839822, MONDO:0100216.
Hereditary cancer-predisposing syndrome. Also called: Hereditary Cancer Syndrome; Neoplastic Syndromes, Hereditary; Hereditary neoplastic syndrome; Tumor predisposition. Identifiers: Orphanet 140162, MedGen C0027672, MeSH D009386, MONDO:0015356.

Submissions (2):

Labcorp Genetics (formerly Invitae), Labcorp
Classification: Uncertain significance for DICER1-related tumor predisposition. Last evaluated: 2024-04-01. Review status: criteria provided, single submitter. Criteria: Invitae Variant Classification Sherloc (09022015). Collection method: clinical testing. Allele origin: germline.
Comment: This sequence change replaces arginine, which is basic and polar, with lysine, which is basic and polar, at codon 95 of the DICER1 protein (p.Arg95Lys). This variant is not present in population databases (gnomAD no frequency). This variant has not been reported in the literature in individuals affected with DICER1-related conditions. ClinVar contains an entry for this variant (Variation ID: 821886). Advanced modeling of protein sequence and biophysical properties (such as structural, functional, and spatial information, amino acid conservation, physicochemical variation, residue mobility, and thermodynamic stability) performed at Invitae indicates that this missense variant is not expected to disrupt DICER1 protein function with a negative predictive value of 80%. In summary, the available evidence is currently insufficient to determine the role of this variant in disease. Therefore, it has been classified as a Variant of Uncertain Significance.

Ambry Genetics
Classification: Uncertain significance for Hereditary cancer-predisposing syndrome. Last evaluated: 2021-10-22. Review status: criteria provided, single submitter. Criteria: Ambry Variant Classification Scheme 2023. Collection method: clinical testing. Allele origin: germline.
Comment: The p.R95K variant (also known as c.284G>A), located in coding exon 2 of the DICER1 gene, results from a G to A substitution at nucleotide position 284. The arginine at codon 95 is replaced by lysine, an amino acid with highly similar properties. This amino acid position is highly conserved in available vertebrate species. In addition, this alteration is predicted to be tolerated by in silico analysis. Since supporting evidence is limited at this time, the clinical significance of this alteration remains unclear.